The following is an entry in ClinVar:

ClinVar aggregate classification (germline): Pathogenic (1 of 4 stars; one submission).

Submission:

Labcorp Genetics (formerly Invitae), Labcorp
Classification: Pathogenic. Last evaluated: 2022-03-02. Review status: criteria provided, single submitter. Criteria: Invitae Variant Classification Sherloc (09022015). Collection method: clinical testing. Allele origin: germline.
Comment: For these reasons, this variant has been classified as Pathogenic. Retrotransposon insertions including LINE1 (L1), Alu, and SVA (SINE-VNTR-Alu) have been reported to disrupt protein function (PMID: 19763152, 20307669, 22406018). However the effect of this particular variant is unknown. This variant disrupts the p.Arg550 amino acid residue in ASNS. Other variant(s) that disrupt this residue have been determined to be pathogenic (PMID: 29405484, 32255274). This suggests that this residue is clinically significant, and that variants that disrupt this residue are likely to be disease-causing. Algorithms developed to predict the effect of sequence changes on RNA splicing suggest that this variant may create or strengthen a splice site. This variant has not been reported in the literature in individuals affected with ASNS-related conditions. This variant is not present in population databases (gnomAD no frequency). This sequence change inserts a large fragment of DNA, likely a transposable element, in exon 12 of the ASNS gene (c.1460_1461ins?), causing a frameshift at codon 488 (p.Tyr488fs). The exact size and sequence of the insertion cannot be determined by the current assay. However, the insertion is expected to result in an absent or disrupted protein product.

Literature cited by the submitters: PubMed 19763152; PubMed 20307669; PubMed 22406018; PubMed 29405484; PubMed 32255274.

NM_001673.5(ASNS):c.1460_1461insGGCCGGGCGCGGTGGCTCACGCCTGTAATCCCAGCACTTTGGGAGGCCGAGGCGGGCGGATCACGAGGTCAGGAGATCGAGACCATCCCGGCTAAAACGGTGAAACNNNNNNNNNNAAAAAAAAAAAAGATTTTACAGGA (p.Glu487_Tyr488insAlaGlyArgGlyGlySerArgLeuTer)

Genes: ASNS (asparagine synthetase (glutamine-hydrolyzing); minus strand), CZ1P-ASNS (CZ1P-ASNS readthrough; minus strand). Cytogenetic location: 7q21.3.
Variant type: Insertion.
Coding change: c.1460_1461insGGCCGGGCGCGGTGGCTCACGCCTGTAATCCCAGCACTTTGGGAGGCCGAGGCGGGCGGATCACGAGGTCAGGAGATCGAGACCATCCCGGCTAAAACGGTGAAACNNNNNNNNNNAAAAAAAAAAAAGATTTTACAGGA on transcript NM_001673.5 (MANE Select); coding-DNA positions 1460 to 1461, GGCCGGGCGCGGTGGCTCACGCCTGTAATCCCAGCACTTTGGGAGGCCGAGGCGGGCGGATCACGAGGTCAGGAGATCGAGACCATCCCGGCTAAAACGGTGAAACNNNNNNNNNNAAAAAAAAAAAAGATTTTACAGGA inserted.
Protein change: p.Glu487_Tyr488insAlaGlyArgGlyGlySerArgLeuTer.
Molecular consequence: nonsense, inframe insertion. On other transcripts: non-coding transcript variant (1).
Genome position: GRCh38: chr7:97,853,089-97,853,090. GRCh37 (hg19): chr7:97,482,401-97,482,402.
Other names: c.1397_1398insGGCCGGGCGCGGTGGCTCACGCCTGTAATCCCAGCACTTTGGGAGGCCGAGGCGGGCGGATCACGAGGTCAGGAGATCGAGACCATCCCGGCTAAAACGGTGAAACNNNNNNNNNNAAAAAAAAAAAAGATTTTACAGGA, p.Glu466_Tyr467insAlaGlyArgGlyGlySerArgLeuTer (NM_001178075.2); c.1211_1212insGGCCGGGCGCGGTGGCTCACGCCTGTAATCCCAGCACTTTGGGAGGCCGAGGCGGGCGGATCACGAGGTCAGGAGATCGAGACCATCCCGGCTAAAACGGTGAAACNNNNNNNNNNAAAAAAAAAAAAGATTTTACAGGA, p.Glu404_Tyr405insAlaGlyArgGlyGlySerArgLeuTer (NM_001178076.2, NM_001178077.1); c.1460_1461insGGCCGGGCGCGGTGGCTCACGCCTGTAATCCCAGCACTTTGGGAGGCCGAGGCGGGCGGATCACGAGGTCAGGAGATCGAGACCATCCCGGCTAAAACGGTGAAACNNNNNNNNNNAAAAAAAAAAAAGATTTTACAGGA, p.Glu487_Tyr488insAlaGlyArgGlyGlySerArgLeuTer (NM_001352496.2, NM_133436.3, NM_183356.4).
Identifiers: ClinVar variation 1349462 (VCV001349462.8), dbSNP rs2115590426.